The following is an entry in ClinVar:

ClinVar aggregate classification (germline): Uncertain significance (1 of 4 stars; one submission).

gnomAD v4.1: 9 of 1,614,098 alleles (0.00056%); highest among the groups gnomAD compares: South Asian, 0.0044%; no homozygotes.

Submission:

Labcorp Genetics (formerly Invitae), Labcorp
Classification: Uncertain significance. Last evaluated: 2024-05-28. Review status: criteria provided, single submitter. Criteria: Invitae Variant Classification Sherloc (09022015). Collection method: clinical testing. Allele origin: germline.
Comment: This sequence change replaces leucine, which is neutral and non-polar, with valine, which is neutral and non-polar, at codon 303 of the WFS1 protein (p.Leu303Val). This variant is present in population databases (no rsID available, gnomAD 0.003%). This variant has not been reported in the literature in individuals affected with WFS1-related conditions. ClinVar contains an entry for this variant (Variation ID: 1920778). Advanced modeling of protein sequence and biophysical properties (such as structural, functional, and spatial information, amino acid conservation, physicochemical variation, residue mobility, and thermodynamic stability) has been performed at Invitae for this missense variant, however the output from this modeling did not meet the statistical confidence thresholds required to predict the impact of this variant on WFS1 protein function. In summary, the available evidence is currently insufficient to determine the role of this variant in disease. Therefore, it has been classified as a Variant of Uncertain Significance.

NM_006005.3(WFS1):c.907C>G (p.Leu303Val)

Gene: WFS1 (wolframin ER transmembrane glycoprotein; plus strand). Cytogenetic location: 4p16.1.
Variant type: single nucleotide variant.
Coding change: c.907C>G on transcript NM_006005.3 (MANE Select); coding-DNA position 907, C replaced by G.
Protein change: p.Leu303Val; replaces leucine 303 with valine.
Molecular consequence: missense variant.
Genome position (GRCh38, 1-based): chr4:6,300,702, C>G. VCF-style: chr4-6300702-C-G. GRCh37 (hg19) VCF-style: chr4-6302429-C-G.
Other names: c.907C>G, p.Leu303Val (NM_001145853.1); short protein forms L303V.
Identifiers: ClinVar variation 1920778 (VCV001920778.5), dbSNP rs752256328, ClinGen allele CA356173861.